The following is an entry in ClinVar:

NM_005876.5(SPEG):c.8693C>A (p.Thr2898Asn)

Genes: ASIC4-AS1 (ASIC4 antisense RNA 1; minus strand), SPEG (striated muscle enriched protein kinase; plus strand). Cytogenetic location: 2q35.
Variant type: single nucleotide variant.
Coding change: c.8693C>A on transcript NM_005876.5 (MANE Select); coding-DNA position 8693, C replaced by A.
Protein change: p.Thr2898Asn; replaces threonine 2898 with asparagine.
Molecular consequence: missense variant.
Genome position (GRCh38, 1-based): chr2:219,489,711, C>A. VCF-style: chr2-219489711-C-A. GRCh37 (hg19) VCF-style: chr2-220354433-C-A.
Other names: short protein forms T2898N.
Identifiers: ClinVar variation 1379050 (VCV001379050.6), dbSNP rs2125593266, ClinGen allele CA350711938.

ClinVar aggregate classification (germline): Uncertain significance (1 of 4 stars; one submission).

Submission:

Labcorp Genetics (formerly Invitae), Labcorp
Classification: Uncertain significance. Last evaluated: 2021-09-01. Review status: criteria provided, single submitter. Criteria: Invitae Variant Classification Sherloc (09022015). Collection method: clinical testing. Allele origin: germline.
Comment: This variant is not present in population databases (ExAC no frequency). This variant has not been reported in the literature in individuals affected with SPEG-related conditions. Algorithms developed to predict the effect of missense changes on protein structure and function are either unavailable or do not agree on the potential impact of this missense change (SIFT: "Deleterious"; PolyPhen-2: "Benign"; Align-GVGD: "Class C0"). In summary, the available evidence is currently insufficient to determine the role of this variant in disease. Therefore, it has been classified as a Variant of Uncertain Significance. This sequence change replaces threonine with asparagine at codon 2898 of the SPEG protein (p.Thr2898Asn). The threonine residue is moderately conserved and there is a small physicochemical difference between threonine and asparagine.